The following is an entry in ClinVar:

ClinVar aggregate classification (germline): Likely pathogenic (1 of 4 stars; one submission).

Conditions:
Fanconi anemia complementation group O. Also called: RAD51C-Related Fanconi Anemia. Identifiers: Orphanet 84, MedGen C3150653, MONDO:0013248, OMIM 613390.

Submission:

Labcorp Genetics (formerly Invitae), Labcorp
Classification: Likely pathogenic for Fanconi anemia, complementation group O. Last evaluated: 2018-03-05. Review status: criteria provided, single submitter. Criteria: Invitae Variant Classification Sherloc (09022015). Collection method: clinical testing. Allele origin: germline.
Comment: This variant is a gross deletion of the genomic region encompassing exon 9 of the RAD51C gene. The 5' boundary is likely confined to intron 8. The 3' end of this event is unknown as it extends through the termination codon beyond the assayed region for this gene and may encompass additional genes. While this deletion is not anticipated to result in nonsense mediated decay, it is expected to create a truncated protein product or disrupt mRNA translation. This variant has not been reported in the literature in individuals with RAD51C-related disease. This variant is expected to delete a portion of the C-terminal region of the RAD51C protein containing the nuclear localization signal (NLS) (residues Arg366-Leu376) (PMID: 12966089). Although functional studies have not been performed for this particular variant, disruption of the NLS likely impairs RAD51CÂ¬â€ function and suggests that deletion of this region of the CHEK2 protein is causative of disease. In summary, the currently available evidence indicates that the variant is pathogenic, but additional data are needed to prove that conclusively. Therefore, this variant has been classified as Likely Pathogenic.

Literature cited by the submitters: PubMed 12966089.

NC_000017.11:g.(?_58734112)_(58734228_?)del

Gene: RAD51C (RAD51 paralog C; plus strand). Cytogenetic location: 17q22.
Variant type: Deletion.
Identifiers: ClinVar variation 584020 (VCV000584020.1).